The following is an entry in ClinVar:

NM_020778.5(ALPK3):c.1055dup (p.Pro352_Asp353insTer)

Gene: ALPK3 (alpha kinase 3; plus strand). Cytogenetic location: 15q25.3.
Variant type: Duplication.
Coding change: c.1055dup on transcript NM_020778.5 (MANE Select); coding-DNA position 1055, one base duplicated (C; older notation c.1055dupC).
Protein change: p.Pro352_Asp353insTer.
Molecular consequence: frameshift variant.
Genome position (GRCh38, 1-based): chr15:84,840,334, C duplicated; the last of 2 consecutive C bases (chr15:84,840,333-84,840,334); duplicating either gives the same sequence. VCF-style (leftmost placement, unchanged base first): chr15-84840332-G-GC. GRCh37 (hg19) VCF-style: chr15-85383563-G-GC.
Identifiers: ClinVar variation 1777493 (VCV001777493.3), dbSNP rs2505705919, ClinGen allele CA2580090121.
Genomic context (GRCh38, chr15:84,840,332, plus strand): 5'-GTTAGAGAAGGCAGCCCAAAGCCGCCGTTCTTCAGAAAACTGCATCCCCAGCTCAGACGA[G>GC]CCTGACTCCTGTGGGACTCAGGGGCCCGTGGGCGTGGAGCAGGTTCAGACCCAGCCCAGA-3'

ClinVar aggregate classification (germline): Pathogenic (1 of 4 stars; one submission).

Conditions:
Cardiovascular phenotype. Identifiers: MedGen CN230736.

Submission:

Ambry Genetics
Classification: Pathogenic for Cardiovascular phenotype. Last evaluated: 2023-01-10. Review status: criteria provided, single submitter. Criteria: Ambry Variant Classification Scheme 2023. Collection method: clinical testing. Allele origin: germline.
Comment: The c.1661dupC pathogenic mutation, located in coding exon 5 of the ALPK3 gene, results from a duplication of C at nucleotide position 1661, causing a translational frameshift with a predicted alternate stop codon (p.D555*). This variant is considered to be rare based on population cohorts in the Genome Aggregation Database (gnomAD). This alteration is expected to result in loss of function by premature protein truncation or nonsense-mediated mRNA decay. As such, this alteration is interpreted as a disease-causing mutation.